The following is an entry in ClinVar:

NM_021625.5(TRPV4):c.1709G>C (p.Gly570Ala)

Gene: TRPV4 (transient receptor potential cation channel subfamily V member 4; minus strand). Cytogenetic location: 12q24.11.
Variant type: single nucleotide variant.
Coding change: c.1709G>C on transcript NM_021625.5 (MANE Select); coding-DNA position 1709, G replaced by C.
Protein change: p.Gly570Ala; replaces glycine 570 with alanine.
Molecular consequence: missense variant.
Genome position (GRCh38, 1-based): chr12:109,792,767, C>G on the plus strand (G>C on the coding strand, the complement: TRPV4 is on the minus strand). VCF-style: chr12-109792767-C-G. GRCh37 (hg19) VCF-style: chr12-110230572-C-G.
Other names: c.1568G>C, p.Gly523Ala (NM_001177428.2); c.1607G>C, p.Gly536Ala (NM_001177431.2); c.1388G>C, p.Gly463Ala (NM_001177433.2); c.1529G>C, p.Gly510Ala (NM_147204.3); short protein forms G463A, G510A, G523A, G536A, G570A.
Identifiers: ClinVar variation 4885726 (VCV004885726.2).

ClinVar aggregate classification (germline): Uncertain significance (1 of 4 stars; one submission).

Submission:

Dasa
Classification: Uncertain significance. Last evaluated: 2025-12-18. Review status: criteria provided, single submitter. Criteria: DASA Assertion Criteria. Collection method: clinical testing. Allele origin: germline.
Comment: NM_021625.5(TRPV4):c.1709G>C (p.Gly570Ala) is a missense variant that results in the substitution of glycine with alanine. This variant is rare in population databases. Computational prediction algorithms are consistent with a deleterious effect. The currently available literature and clinical evidence are not sufficient to establish a definitive association between this variant and the reported condition. Therefore, this variant is classified as a variant of uncertain significance.